The following is an entry in ClinVar:

ClinVar aggregate classification (germline): Pathogenic/Likely pathogenic. Review status: criteria provided, multiple submitters, no conflicts (2 of 4 stars). 5 submissions from 5 submitters: Pathogenic (3); Likely pathogenic (1). 1 of the submissions does not count toward it. Last evaluated 2025-12-17.

Conditions:
Isolated growth hormone deficiency, type 4. Also called: ISOLATED GROWTH HORMONE DEFICIENCY, TYPE IV; DWARFISM OF SINDH. Identifiers: Orphanet 684247, MedGen C4722273, MONDO:0032567, OMIM 618157.

Allele frequency attached by ClinVar (database versions not stated): gnomAD exomes 0.00002 and 0.00006; gnomAD 0.00003; 1000 Genomes Project 30x 0.00016; 1000 Genomes Project 0.00020; TOPMed 0.00001; ExAC 0.00004.
gnomAD v4.1: 83 of 1,523,286 alleles (0.0054%); highest among the groups gnomAD compares: Non-Finnish European, 0.0069%; no homozygotes.

Submissions (5):

Labcorp Genetics (formerly Invitae), Labcorp
Classification: Pathogenic. Last evaluated: 2025-12-17. Review status: criteria provided, single submitter. Criteria: Invitae Variant Classification Sherloc (09022015). Collection method: clinical testing. Allele origin: germline.
Comment: This sequence change replaces leucine, which is neutral and non-polar, with histidine, which is basic and polar, at codon 144 of the GHRHR protein (p.Leu144His). The frequency data for this variant in the population databases is considered unreliable, as metrics indicate poor data quality at this position in the gnomAD database. This missense change has been observed in individuals with growth hormone deficiency (PMID: 11232012, 31231873). It has also been observed to segregate with disease in related individuals. ClinVar contains an entry for this variant (Variation ID: 15991). Invitae Evidence Modeling of protein sequence and biophysical properties (such as structural, functional, and spatial information, amino acid conservation, physicochemical variation, residue mobility, and thermodynamic stability) indicates that this missense variant is expected to disrupt GHRHR protein function with a positive predictive value of 80%. Experimental studies have shown that this missense change affects GHRHR function (PMID: 11232012, 31231873). For these reasons, this variant has been classified as Pathogenic.

GeneDx
Classification: Likely pathogenic. Last evaluated: 2025-01-09. Review status: criteria provided, single submitter. Criteria: GeneDx Variant Classification Process June 2021. Collection method: clinical testing. Allele origin: germline. Affected: yes.
Comment: Published functional studies demonstrate a damaging effect on protein function (PMID: 31231873); In silico analysis supports that this missense variant has a deleterious effect on protein structure/function; This variant is associated with the following publications: (PMID: 34426522, 31589614, 29412390, 31231873, 11232012)

Fulgent Genetics
Classification: Pathogenic for Isolated growth hormone deficiency, type 4. Last evaluated: 2024-04-09. Review status: criteria provided, single submitter. Criteria: ACMG Guidelines, 2015. Collection method: clinical testing. Allele origin: germline.

Women's Health and Genetics/Laboratory Corporation of America, LabCorp
Classification: Pathogenic for Isolated growth hormone deficiency, type 4. Last evaluated: 2023-09-28. Review status: criteria provided, single submitter. Criteria: LabCorp Variant Classification Summary - May 2015. Collection method: clinical testing. Allele origin: germline.
Comment: Variant summary: GHRHR c.431T>A (p.Leu144His) results in a non-conservative amino acid change located in the GPCR, family 2-like, 7TM domain (IPR017981) of the encoded protein sequence. Four of five in-silico tools predict a damaging effect of the variant on protein function. The variant allele was found at a frequency of 2.4e-05 in 166580 control chromosomes (gnomAD). The available data on variant occurrences in the general population are insufficient to allow any conclusion about variant significance. c.431T>A has been reported in the literature in multiple homozygous and compound heterozygous individuals affected with Isolated growth hormone deficiency, type 4 (e.g., Salvatori_2001, Correa_2017, Cohen_2019). These data indicate that the variant is very likely to be associated with disease. At least two publications report experimental evidence evaluating an impact on protein function, finding that the variant resulted in the failure to show a cAMP response, likely due to disrupted ligand binding (e.g., Salvatori_2001, Alba_2005). The following publications have been ascertained in the context of this evaluation (PMID: 15196883, 31231873, 29412390, 11232012). One submitter has reported clinical-significance assessments for this variant to ClinVar after 2014 and has classified the variant as pathogenic. Based on the evidence outlined above, the variant was classified as pathogenic.

OMIM
Classification: Pathogenic for ISOLATED GROWTH HORMONE DEFICIENCY, TYPE IV. Last evaluated: 2001-01-01. Review status: no assertion criteria provided. Collection method: literature only. Allele origin: germline. Not counted in ClinVar's aggregate classification.

Literature cited by the submitters: PubMed 11232012 (cited by 3 submitters); PubMed 31231873 (cited by Labcorp Genetics (formerly Invitae), Labcorp and Women's Health and Genetics/Laboratory Corporation of America, LabCorp); PubMed 15196883 (cited by Women's Health and Genetics/Laboratory Corporation of America, LabCorp); PubMed 29412390 (cited by Women's Health and Genetics/Laboratory Corporation of America, LabCorp).

NM_000823.4(GHRHR):c.431T>A (p.Leu144His)

Gene: GHRHR (growth hormone releasing hormone receptor; plus strand). Cytogenetic location: 7p14.3.
Variant type: single nucleotide variant.
Coding change: c.431T>A on transcript NM_000823.4 (MANE Select); coding-DNA position 431, T replaced by A.
Protein change: p.Leu144His; replaces leucine 144 with histidine.
Molecular consequence: missense variant.
Genome position (GRCh38, 1-based): chr7:30,971,183, T>A. VCF-style: chr7-30971183-T-A. GRCh37 (hg19) VCF-style: chr7-31010798-T-A.
Other names: c.431T>A (NM_000823.3); short protein forms L144H.
Identifiers: ClinVar variation 15991 (VCV000015991.10), dbSNP rs121918118, ClinGen allele CA126135.